The following is an entry in ClinVar:

ClinVar aggregate classification (germline): Likely benign. Review status: criteria provided, multiple submitters, no conflicts (2 of 4 stars). 2 submissions from 2 submitters: Likely benign (2). Last evaluated 2025-05-19.

Conditions:
Menkes kinky-hair syndrome (MNK). Also called: Copper transport disease; Menkes Disease; Classic Menkes Disease. Identifiers: Orphanet 565, MedGen C0022716, MONDO:0010651, OMIM 309400.
Cutis laxa, X-linked (OHS). Also called: EDS IX; Occipital horn syndrome. Identifiers: Orphanet 198, MedGen C0268353, MONDO:0010572, OMIM 304150.
X-linked distal spinal muscular atrophy type 3. Also called: ATP7A-Related Distal Motor Neuropathy; SPINAL MUSCULAR ATROPHY, DISTAL, X-LINKED RECESSIVE; NEURONOPATHY, DISTAL HEREDITARY MOTOR, X-LINKED; NEUROPATHY, DISTAL HEREDITARY MOTOR, X-LINKED. Identifiers: Orphanet 139557, MedGen C1845359, MONDO:0010338, OMIM 300489.

Allele frequency attached by ClinVar (database versions not stated): TOPMed below 0.00001; gnomAD 0.00001; gnomAD exomes 0.00001.
gnomAD v4.1: 12 of 1,209,840 alleles (0.00099%); highest among the groups gnomAD compares: Non-Finnish European, 0.0013%; no homozygotes.

Submissions (2):

Mayo Clinic Laboratories, Mayo Clinic
Classification: Likely benign. Last evaluated: 2025-05-19. Review status: criteria provided, single submitter. Criteria: ACMG Guidelines, 2015. Collection method: clinical testing. Allele origin: germline. Observed: 1 variant allele.
Comment: BP4, BP7

Labcorp Genetics (formerly Invitae), Labcorp
Classification: Likely benign for X-linked distal spinal muscular atrophy type 3; Cutis laxa, X-linked; Menkes kinky-hair syndrome. Last evaluated: 2024-11-11. Review status: criteria provided, single submitter. Criteria: Invitae Variant Classification Sherloc (09022015). Collection method: clinical testing. Allele origin: germline.

NM_000052.7(ATP7A):c.4470A>T (p.Gly1490=)

Gene: ATP7A (ATPase copper transporting alpha; plus strand). Cytogenetic location: Xq21.1.
Variant type: single nucleotide variant.
Coding change: c.4470A>T on transcript NM_000052.7 (MANE Select); coding-DNA position 4470, A replaced by T.
Protein change: p.Gly1490=; no amino-acid change (glycine 1490 retained).
Molecular consequence: synonymous variant. On other transcripts: non-coding transcript variant (1).
Genome position (GRCh38, 1-based): chrX:78,046,537, A>T. VCF-style: chrX-78046537-A-T. GRCh37 (hg19) VCF-style: chrX-77302034-A-T.
Other names: p.Gly1490=; c.4236A>T, p.Gly1412= (NM_001282224.2).
Identifiers: ClinVar variation 2925279 (VCV002925279.4), dbSNP rs1283793761, ClinGen allele CA517460929.